The following is an entry in ClinVar:

ClinVar aggregate classification (germline): Benign (1 of 4 stars; one submission).

Conditions:
Myostatin-related muscle hypertrophy (MSLHP). Also called: MUSCLE HYPERTROPHY. Identifiers: Orphanet 275534, MedGen C2931112, MONDO:0013598, OMIM 614160.

Allele frequency attached by ClinVar (database versions not stated): gnomAD 0.06507; 1000 Genomes Project 0.07149; 1000 Genomes Project 30x 0.07636; TOPMed 0.07842.

Submission:

Illumina Laboratory Services, Illumina
Classification: Benign for Myostatin-related muscle hypertrophy. Last evaluated: 2018-01-13. Review status: criteria provided, single submitter. Criteria: ICSL Variant Classification Criteria 13 December 2019. Collection method: clinical testing. Allele origin: germline.
Comment: This variant was observed in the ICSL laboratory as part of a predisposition screen in an ostensibly healthy population. It had not been previously curated by ICSL or reported in the Human Gene Mutation Database (HGMD: prior to June 1st, 2018), and was therefore a candidate for classification through an automated scoring system. Utilizing variant allele frequency, disease prevalence and penetrance estimates, and inheritance mode, an automated score was calculated to assess if this variant is too frequent to cause the disease. Based on the score and internal cut-off values, a variant classified as benign is not then subjected to further curation. The score for this variant resulted in a classification of benign for this disease.

NM_005259.3(MSTN):c.*1203G>C

Genes: C2orf88 (chromosome 2 open reading frame 88; plus strand), MSTN (myostatin; minus strand). Cytogenetic location: 2q32.2.
Variant type: single nucleotide variant.
Coding change: c.*1203G>C on transcript NM_005259.3 (MANE Select); 1203 bases downstream of the stop codon, G replaced by C.
Molecular consequence: 3 prime UTR variant.
Genome position (GRCh38, 1-based): chr2:190,056,055, C>G on the plus strand (G>C on the coding strand, the complement: MSTN is on the minus strand). VCF-style: chr2-190056055-C-G. GRCh37 (hg19) VCF-style: chr2-190920781-C-G.
Other names: c.*1203G>C (LRG_200t1).
Identifiers: ClinVar variation 333219 (VCV000333219.5), dbSNP rs3187415, ClinGen allele CA10613560.